The following is an entry in ClinVar:

NM_002224.4(ITPR3):c.6603G>A (p.Met2201Ile)

Gene: ITPR3 (inositol 1,4,5-trisphosphate receptor type 3; plus strand). Cytogenetic location: 6p21.31.
Variant type: single nucleotide variant.
Coding change: c.6603G>A on transcript NM_002224.4 (MANE Select); coding-DNA position 6603, G replaced by A.
Protein change: p.Met2201Ile; replaces methionine 2201 with isoleucine.
Molecular consequence: missense variant.
Genome position (GRCh38, 1-based): chr6:33,688,690, G>A. VCF-style: chr6-33688690-G-A. GRCh37 (hg19) VCF-style: chr6-33656467-G-A.
Other names: short protein forms M2201I.
Identifiers: ClinVar variation 3390122 (VCV003390122.14).

ClinVar aggregate classification (germline): Uncertain significance (1 of 4 stars; one submission).

gnomAD v4.1: 1 of 1,614,182 alleles (0.000062%); no homozygotes.

Submission:

CeGaT Center for Human Genetics Tuebingen
Classification: Uncertain significance. Last evaluated: 2024-11-01. Review status: criteria provided, single submitter. Criteria: CeGaT Center For Human Genetics Tuebingen Variant Classification Criteria Version 2. Collection method: clinical testing. Allele origin: germline. Affected: yes. Observed: 1 variant allele.
Comment: ITPR3: PM2:Supporting